The following is an entry in ClinVar:

ClinVar aggregate classification (germline): Likely benign. Review status: criteria provided, multiple submitters, no conflicts (2 of 4 stars). 2 submissions from 2 submitters: Likely benign (2). Last evaluated 2025-11-11.

Conditions:
NEFH-related disorder. Also called: NEFH-related condition.

Allele frequency attached by ClinVar (database versions not stated): gnomAD 0.00001; gnomAD exomes 0.00002; TOPMed 0.00002.
gnomAD v4.1: 38 of 1,529,552 alleles (0.0025%); highest among the groups gnomAD compares: South Asian, 0.0036%; no homozygotes.

Submissions (2):

PreventionGenetics, part of Exact Sciences
Classification: Likely benign for NEFH-related condition. Last evaluated: 2025-11-11. Review status: criteria provided, single submitter. Criteria: ACMG Guidelines, 2015. Collection method: clinical testing. Allele origin: germline.
Comment: This variant is classified as likely benign based on ACMG/AMP sequence variant interpretation guidelines (Richards et al. 2015 PMID: 25741868, with internal and published modifications).

Labcorp Genetics (formerly Invitae), Labcorp
Classification: Likely benign. Last evaluated: 2024-09-01. Review status: criteria provided, single submitter. Criteria: Invitae Variant Classification Sherloc (09022015). Collection method: clinical testing. Allele origin: germline.

NM_021076.4(NEFH):c.867C>G (p.Ser289=)

Gene: NEFH (neurofilament heavy chain; plus strand). Cytogenetic location: 22q12.2.
Variant type: single nucleotide variant.
Coding change: c.867C>G on transcript NM_021076.4 (MANE Select); coding-DNA position 867, C replaced by G.
Protein change: p.Ser289=; no amino-acid change (serine 289 retained).
Molecular consequence: synonymous variant.
Genome position (GRCh38, 1-based): chr22:29,481,129, C>G. VCF-style: chr22-29481129-C-G. GRCh37 (hg19) VCF-style: chr22-29877118-C-G.
Other names: c.867C>G (NM_021076.3).
Identifiers: ClinVar variation 1612061 (VCV001612061.9), dbSNP rs1042294777, ClinGen allele CA323083230.